The following is an entry in ClinVar:

NM_020822.3(KCNT1):c.35dup (p.Val13fs)

Gene: KCNT1 (potassium sodium-activated channel subfamily T member 1; plus strand). Cytogenetic location: 9q34.3.
Variant type: Duplication.
Coding change: c.35dup on transcript NM_020822.3 (MANE Select); coding-DNA position 35, one base duplicated (G; older notation c.35dupG).
Protein change: p.Val13fs; shifts the reading frame from valine 13.
Molecular consequence: frameshift variant.
Genome position (GRCh38, 1-based): chr9:135,702,293, G duplicated; the last of 6 consecutive G bases (chr9:135,702,288-135,702,293); duplicating any one gives the same sequence. VCF-style (leftmost placement, unchanged base first): chr9-135702287-C-CG. GRCh37 (hg19) VCF-style: chr9-138594133-C-CG.
Other names: c.35dup, p.Val13fs (NM_001272003.2); short protein forms V13fs.
Identifiers: ClinVar variation 1045803 (VCV001045803.9), dbSNP rs1835063072, ClinGen allele CA591143506.
Genomic context (GRCh38, chr9:135,702,287, plus strand): 5'-TCCCTCGGGTCGGGTCCGAGCTGCCAGGCCGCATGCCACTCCCTGACGGGGCGCGGACCC[C>CG]GGGGGGCGTCTGCCGGGAGGCGCGCGGCGGGGGCTACACCAACCGGACCTTCGAGTTTGA-3'

ClinVar aggregate classification (germline): Uncertain significance (1 of 4 stars; one submission).

Conditions:
Autosomal dominant nocturnal frontal lobe epilepsy 5. Also called: KCNT1-Related Epilepsy; CILIARY DYSKINESIA, PRIMARY, 28, WITHOUT SITUS INVERSUS; CILIARY DYSKINESIA, PRIMARY, 28, WITH SITUS INVERSUS; Epilepsy, nocturnal frontal lobe, 5. Identifiers: Orphanet 98784, MedGen C3554306, MONDO:0014002, OMIM 615005.
Developmental and epileptic encephalopathy, 14 (DEE14). Also called: Early infantile epileptic encephalopathy 14. Identifiers: Orphanet 293181, MedGen C3554195, MONDO:0013989, OMIM 614959.

Submission:

Labcorp Genetics (formerly Invitae), Labcorp
Classification: Uncertain significance for Autosomal dominant nocturnal frontal lobe epilepsy 5; Developmental and epileptic encephalopathy, 14. Last evaluated: 2023-11-27. Review status: criteria provided, single submitter. Criteria: Invitae Variant Classification Sherloc (09022015). Collection method: clinical testing. Allele origin: germline.
Comment: This sequence change creates a premature translational stop signal (p.Val13Argfs*18) in the KCNT1 gene. It is expected to result in an absent or disrupted protein product. However, the current clinical and genetic evidence is not sufficient to establish whether loss-of-function variants in KCNT1 cause disease. This variant is not present in population databases (gnomAD no frequency). This variant has not been reported in the literature in individuals affected with KCNT1-related conditions. This premature translational stop signal has been observed in at least one individual who was not affected with KCNT1-related conditions (Invitae). ClinVar contains an entry for this variant (Variation ID: 1045803). In summary, the available evidence is currently insufficient to determine the role of this variant in disease. Therefore, it has been classified as a Variant of Uncertain Significance.